The following is an entry in ClinVar:

NM_000059.4(BRCA2):c.7988A>T (p.Glu2663Val)

Gene: BRCA2 (BRCA2 DNA repair associated; plus strand). Cytogenetic location: 13q13.1.
Variant type: single nucleotide variant.
Coding change: c.7988A>T on transcript NM_000059.4 (MANE Select); coding-DNA position 7988, A replaced by T.
Protein change: p.Glu2663Val; replaces glutamic acid 2663 with valine.
Molecular consequence: missense variant.
Genome position (GRCh38, 1-based): chr13:32,363,190, A>T. VCF-style: chr13-32363190-A-T. GRCh37 (hg19) VCF-style: chr13-32937327-A-T.
Other names: 8216A>T; short protein forms E2663V.
Identifiers: ClinVar variation 52462 (VCV000052462.60), dbSNP rs80359031, ClinGen allele CA025385.
Genomic context (GRCh38, chr13:32,363,190, plus strand): 5'-ATTCTAGAGTCACACTTCCTAAAATATGCATTTTTGTTTTCACTTTTAGATATGATACGG[A>T]AATTGATAGAAGCAGAAGATCGGCTATAAAAAAGATAATGGAAAGGGATGACACAGCTGC-3'
Protein context (NP_000050.3, residues 2653-2673): LLQLKYRYDT[Glu2663Val]IDRSRRSAIK

ClinVar aggregate classification (germline): Pathogenic. Review status: reviewed by expert panel (3 of 4 stars). 29 submissions from 29 submitters: Pathogenic (1). 28 of the submissions do not count toward it. Last evaluated 2015-08-10.

Conditions:
Inherited ovarian cancer (without breast cancer).
Inherited breast cancer and ovarian cancer.
Breast-ovarian cancer, familial, susceptibility to, 2 (BROVCA2). Also called: BRCA2 Hereditary Breast and Ovarian Cancer. Identifiers: Orphanet 145, MedGen C2675520, MONDO:0012933, OMIM 612555. Disease mechanism: loss of function.
Fanconi anemia complementation group D1. Also called: BRCA2-Related Fanconi Anemia. Identifiers: Orphanet 319462, MedGen C1838457, MONDO:0011584, OMIM 605724.
Medulloblastoma (MDB). Also called: MEDULLOBLASTOMA PREDISPOSITION SYNDROME; Medulloblastoma, somatic. Identifiers: Orphanet 616, MedGen C0025149, MeSH D008527, MONDO:0007959, OMIM 155255, HP:0002885.
Pancreatic cancer, susceptibility to, 2. Identifiers: Orphanet 1333, MedGen C3150546, MONDO:0013235, OMIM 613347.
Glioma susceptibility 3 (GLM3). Also called: Glioblastoma 3. Identifiers: Orphanet 182067, Orphanet 360, MedGen C2751641, MONDO:0013093, OMIM 613029.
Wilms tumor 1 (WT1). Also called: Wilms tumor, somatic. Identifiers: Orphanet 654, MedGen CN033288, MONDO:0008679, OMIM 194070.
Familial cancer of breast. Also called: hereditary breast carcinoma; BREAST CANCER, FAMILIAL; Hereditary breast cancer. Identifiers: Orphanet 227535, MedGen C0346153, MONDO:0016419, OMIM 114480. Disease mechanism: loss of function.
Prostate cancer. Also called: Malignant tumor of prostate. Identifiers: Orphanet 1331, MedGen C0376358, MONDO:0008315, HP:0012125.
Breast and/or ovarian cancer. Identifiers: MedGen CN221562.
Hereditary cancer-predisposing syndrome. Also called: Hereditary Cancer Syndrome; Neoplastic Syndromes, Hereditary; Hereditary neoplastic syndrome; Tumor predisposition. Identifiers: Orphanet 140162, MedGen C0027672, MeSH D009386, MONDO:0015356.
Hereditary breast ovarian cancer syndrome. Also called: Hereditary breast and ovarian cancer syndrome; Breast and ovarian cancer; Hereditary breast and ovarian cancer syndrome (HBOC); BRCA1- and BRCA2-Associated Hereditary Breast and Ovarian Cancer; Hereditary breast and/or ovarian cancer syndrome; Hereditary breast and ovarian cancer. Identifiers: Orphanet 145, MedGen C0677776, MeSH D061325, MONDO:0003582. Disease mechanism: loss of function.

Allele frequency attached by ClinVar (database versions not stated): gnomAD exomes 0.00001.
gnomAD v4.1: 12 of 1,613,572 alleles (0.00074%); highest among the groups gnomAD compares: Non-Finnish European, 0.001%; no homozygotes.

Submissions 1 to 7 of 29:

Evidence-based Network for the Interpretation of Germline Mutant Alleles (ENIGMA)
Classification: Pathogenic for Breast-ovarian cancer, familial 2. Last evaluated: 2015-08-10. Review status: reviewed by expert panel. Criteria: ENIGMA BRCA1/2 Classification Criteria (2015). Collection method: curation. Allele origin: germline.
Comment: IARC class based on posterior probability from multifactorial likelihood analysis, thresholds for class as per Plon et al. 2008 (PMID: 18951446). Class 5 based on posterior probability = 1

Genetics Laboratory, Great Ormond Street Hospital NHS Foundation Trust, North Thames Genomic Laboratory Hub
Classification: Pathogenic for Inherited breast cancer and ovarian cancer. Last evaluated: 2025-12-11. Review status: criteria provided, single submitter. Criteria: CanVIG BRCA Gene Specific V1.22. Collection method: clinical testing. Allele origin: germline. Affected: yes. Not counted in ClinVar's aggregate classification.
Comment: PS4_strong, PM2_supporting, PS3_strong, PP4_moderate

Labcorp Genetics (formerly Invitae), Labcorp
Classification: Pathogenic for Hereditary breast ovarian cancer syndrome. Last evaluated: 2025-11-10. Review status: criteria provided, single submitter. Criteria: Invitae Variant Classification Sherloc (09022015). Collection method: clinical testing. Allele origin: germline. Not counted in ClinVar's aggregate classification.
Comment: This sequence change replaces glutamic acid, which is acidic and polar, with valine, which is neutral and non-polar, at codon 2663 of the BRCA2 protein (p.Glu2663Val). This variant is not present in population databases (gnomAD no frequency). This missense change has been observed in individual(s) with personal and/or family history of breast/ovarian cancer (PMID: 16489001, 20104584, 21965345, 25452441). It has also been observed to segregate with disease in related individuals. This variant is also known as 8216A>T. ClinVar contains an entry for this variant (Variation ID: 52462). Based on a multifactorial likelihood algorithm using genetic, in silico, and/or statistical data, this variant has been determined to have a high probability of being pathogenic (PMID: 17924331, 18451181, 21990134). Experimental studies have shown that this missense change affects BRCA2 function (PMID: 18607349, 20513136). Studies have shown that this missense change is associated with altered splicing (PMID: 20215541, 28339459). For these reasons, this variant has been classified as Pathogenic.

NHS Central & South Genomic Laboratory Hub
Classification: Pathogenic for Inherited ovarian cancer (without breast cancer). Last evaluated: 2025-06-05. Review status: criteria provided, single submitter. Criteria: ACMG Guidelines, 2015. Collection method: clinical testing. Allele origin: germline. Affected: yes. Not counted in ClinVar's aggregate classification.

Ambry Genetics
Classification: Pathogenic for Hereditary cancer-predisposing syndrome. Last evaluated: 2025-05-16. Review status: criteria provided, single submitter. Criteria: Ambry Variant Classification Scheme 2023. Collection method: clinical testing. Allele origin: germline. Not counted in ClinVar's aggregate classification.
Comment: The p.E2663V pathogenic mutation (also known as c.7988A>T), located in coding exon 17 of the BRCA2 gene, results from an A to T substitution at nucleotide position 7988. The glutamic acid at codon 2663 is replaced by valine, an amino acid with dissimilar properties. This alteration was identified 18 families in a worldwide study of BRCA1/2 mutation positive families (Rebbeck TR et al. Hum. Mutat.. 2018 05;39:593-620). This variant is considered to be rare based on population cohorts in the Genome Aggregation Database (gnomAD). In one study, RT-PCR analysis demonstrated that this alteration leads to an out-of-frame deletion of the 355-bp exon 18, resulting in a premature stop codon within exon 19 (Farrugia DJ et al. Cancer Res. 2008 May; 68(9):3523-31). Functional studies from other research groups have confirmed these findings; however, in addition to the transcript that skips only exon 18, they found that this alteration also leads to the transcription of an isoform that skips both exon 17 and 18 as well as a full-length variant transcript. Further studies assessed the function of the variant protein and demonstrated abrogated function consistent with pathogenicity; homologous repair activity was reduced significantly compared to wildtype BRCA2. (Walker LC et al. Hum. Mutat. 2010 Jun; 31(6):E1484-505; Fraile-Bethencourt E et al. PLoS Genet. 2017 Mar;13:e1006691). Two saturation genome editing-based studies, including a haploid cell-survival assay and a humanized mouse embryonic stem cell line assay of drug response and survival, demonstrate that this nucleotide substitution is non-functional (Huang H et al. Nature. 2025 Feb;638(8050):528-537; Sahu S et al. Nature. 2025 Feb;638(8050):538-545). This alteration has been classified as pathogenic (p>0.99) by multifactorial analysis, which integrates the following lines of evidence to produce a quantitative likelihood of pathogenicity: in silico prediction models, segregation with disease, tumor characteristics, mutation co-occurrence, and functional assay results (Easton D et al. Am J Hum Genet. 2007;81:873-883; Vallee M et al. Hum Mutat. 2012 Jan;33(1):22-8). It has also been classified as likely deleterious based on a protein likelihood ratio (Karchin R et al. Cancer Inform. 2008 Apr;6:203-16). Of note, this alteration is also referred to as 8216A>T in some published literature. Based on the supporting evidence, this alteration is interpreted as a disease-causing mutation.

Molecular Pathology, Peter Maccallum Cancer Centre
Classification: Pathogenic for Breast-ovarian cancer, familial, susceptibility to, 2. Last evaluated: 2025-03-05. Review status: criteria provided, single submitter. Criteria: ACMG Guidelines, 2015. Collection method: clinical testing. Allele origin: germline. Inheritance: Autosomal dominant inheritance. Not counted in ClinVar's aggregate classification.

Center for Genomic Medicine, Rigshospitalet, Copenhagen University Hospital
Classification: Pathogenic. Last evaluated: 2025-03-04. Review status: criteria provided, single submitter. Criteria: ACMG Guidelines, 2015. Collection method: clinical testing. Allele origin: germline. Not counted in ClinVar's aggregate classification.